The following is an entry in ClinVar:

NM_024675.4(PALB2):c.2514+4C>T

Gene: PALB2 (partner and localizer of BRCA2; minus strand). Cytogenetic location: 16p12.2.
Variant type: single nucleotide variant.
Coding change: c.2514+4C>T on transcript NM_024675.4 (MANE Select); 4 bases into the intron after coding-DNA position 2514, C replaced by T.
Molecular consequence: intron variant.
Genome position (GRCh38, 1-based): chr16:23,629,636, G>A on the plus strand (C>T on the coding strand, the complement: PALB2 is on the minus strand). VCF-style: chr16-23629636-G-A. GRCh37 (hg19) VCF-style: chr16-23640957-G-A.
Identifiers: ClinVar variation 656338 (VCV000656338.15), dbSNP rs1597088645, ClinGen allele CA915949181.
Genomic context (GRCh38, chr16:23,629,636, plus strand): 5'-TGTTTACATTCACTAAGGCATTTCATTCCTTCAGAGAAAATTTCACAGAGGAAATGGATT[G>A]TACCTGTTCGACGGAATGTTTATGCAGCTCCTGGCATGTGTTTCTACAGAGCTGATTTTC-3'

ClinVar aggregate classification (germline): Conflicting classifications of pathogenicity. Review status: criteria provided, conflicting classifications (1 of 4 stars). 4 submissions from 4 submitters: Uncertain significance (3); Likely benign (1). Last evaluated 2025-08-07.

Conditions:
Familial cancer of breast. Also called: BREAST CANCER, FAMILIAL; Hereditary breast cancer; hereditary breast carcinoma. Identifiers: Orphanet 227535, MedGen C0346153, MONDO:0016419, OMIM 114480. Disease mechanism: loss of function.
Hereditary cancer-predisposing syndrome. Also called: Tumor predisposition; Hereditary neoplastic syndrome; Hereditary Cancer Syndrome; Neoplastic Syndromes, Hereditary. Identifiers: Orphanet 140162, MedGen C0027672, MeSH D009386, MONDO:0015356.
PALB2-related disorder. Also called: PALB2-related disorders; PALB2-related condition.

Allele frequency attached by ClinVar (database versions not stated): TOPMed below 0.00001.

Submissions (4):

PreventionGenetics, part of Exact Sciences
Classification: Likely benign for PALB2-related condition. Last evaluated: 2025-08-07. Review status: criteria provided, single submitter. Criteria: ACMG Guidelines, 2015. Collection method: clinical testing. Allele origin: germline.
Comment: This variant is classified as likely benign based on ACMG/AMP sequence variant interpretation guidelines (Richards et al. 2015 PMID: 25741868, with internal and published modifications).

Color Diagnostics, LLC DBA Color Health
Classification: Uncertain significance for Hereditary cancer-predisposing syndrome. Last evaluated: 2023-11-06. Review status: criteria provided, single submitter. Criteria: ACMG Guidelines, 2015. Collection method: clinical testing. Allele origin: germline.
Comment: This variant causes a C to T nucleotide substitution at the +4 position of intron 5 of the PALB2 gene. To our knowledge, this variant has not been reported in individuals affected with PALB2-related disorders in the literature. This variant has not been identified in the general population by the Genome Aggregation Database (gnomAD). The available evidence is insufficient to determine the role of this variant in disease conclusively. Therefore, this variant is classified as a Variant of Uncertain Significance.

Labcorp Genetics (formerly Invitae), Labcorp
Classification: Uncertain significance for Familial cancer of breast. Last evaluated: 2023-02-27. Review status: criteria provided, single submitter. Criteria: Invitae Variant Classification Sherloc (09022015). Collection method: clinical testing. Allele origin: germline.
Comment: ClinVar contains an entry for this variant (Variation ID: 656338). This variant has not been reported in the literature in individuals affected with PALB2-related conditions. This variant is not present in population databases (gnomAD no frequency). This sequence change falls in intron 5 of the PALB2 gene. It does not directly change the encoded amino acid sequence of the PALB2 protein. It affects a nucleotide within the consensus splice site. Variants that disrupt the consensus splice site are a relatively common cause of aberrant splicing (PMID: 17576681, 9536098). Algorithms developed to predict the effect of sequence changes on RNA splicing suggest that this variant is not likely to affect RNA splicing. In summary, the available evidence is currently insufficient to determine the role of this variant in disease. Therefore, it has been classified as a Variant of Uncertain Significance.

Ambry Genetics
Classification: Uncertain significance for Hereditary cancer-predisposing syndrome. Last evaluated: 2023-01-05. Review status: criteria provided, single submitter. Criteria: Ambry Variant Classification Scheme 2023. Collection method: clinical testing. Allele origin: germline.
Comment: The c.2514+4C>T intronic variant results from a C to T substitution 4 nucleotides after coding exon 5 in the PALB2 gene. This nucleotide position is not well conserved in available vertebrate species. In silico splice site analysis predicts that this alteration will not have any significant effect on splicing. Since supporting evidence is limited at this time, the clinical significance of this alteration remains unclear.

Literature cited by the submitters: PubMed 17576681 (cited by Labcorp Genetics (formerly Invitae), Labcorp); PubMed 9536098 (cited by Labcorp Genetics (formerly Invitae), Labcorp).